The following is an entry in ClinVar:

ClinVar aggregate classification (germline): Uncertain significance (1 of 4 stars; one submission).

Allele frequency attached by ClinVar (database versions not stated): gnomAD exomes 0.00003 and 0.00008; gnomAD 0.00004; TOPMed 0.00007; ExAC 0.00013; ESP Exome Variant Server 0.00015.
gnomAD v4.1: 54 of 1,613,372 alleles (0.0033%); highest among the groups gnomAD compares: Non-Finnish European, 0.0042%; no homozygotes.

Submission:

Labcorp Genetics (formerly Invitae), Labcorp
Classification: Uncertain significance. Last evaluated: 2021-09-17. Review status: criteria provided, single submitter. Criteria: Invitae Variant Classification Sherloc (09022015). Collection method: clinical testing. Allele origin: germline.
Comment: This sequence change replaces isoleucine with threonine at codon 448 of the SLC4A11 protein (p.Ile448Thr). The isoleucine residue is highly conserved and there is a moderate physicochemical difference between isoleucine and threonine. This variant is present in population databases (rs200367480, ExAC 0.02%). This variant has not been reported in the literature in individuals with SLC4A11-related conditions. Algorithms developed to predict the effect of missense changes on protein structure and function are either unavailable or do not agree on the potential impact of this missense change (SIFT: "Tolerated"; PolyPhen-2: "Probably Damaging"; Align-GVGD: "Class C0"). In summary, the available evidence is currently insufficient to determine the role of this variant in disease. Therefore, it has been classified as a Variant of Uncertain Significance.

NM_001174089.2(SLC4A11):c.1295T>C (p.Ile432Thr)

Gene: SLC4A11 (solute carrier family 4 member 11; minus strand). Cytogenetic location: 20p13.
Variant type: single nucleotide variant.
Coding change: c.1295T>C on transcript NM_001174089.2 (MANE Select); coding-DNA position 1295, T replaced by C.
Protein change: p.Ile432Thr; replaces isoleucine 432 with threonine.
Molecular consequence: missense variant. On other transcripts: non-coding transcript variant (1).
Genome position (GRCh38, 1-based): chr20:3,230,635, A>G on the plus strand (T>C on the coding strand, the complement: SLC4A11 is on the minus strand). VCF-style: chr20-3230635-A-G. GRCh37 (hg19) VCF-style: chr20-3211281-A-G.
Other names: c.1424T>C, p.Ile475Thr (NM_001174090.2); c.1181T>C, p.Ile394Thr (NM_001363745.2); c.1343T>C, p.Ile448Thr (NM_032034.4); short protein forms I432T, I475T, I394T, I448T.
Identifiers: ClinVar variation 1413073 (VCV001413073.5), dbSNP rs200367480, ClinGen allele CA9741892.
Genomic context (GRCh38, chr20:3,230,635, plus strand): 5'-CTATTCCACAGGCCCGTCCATGCGTAGAAGGAGTTGAAGTCCAGGTCATAGTCATCACAG[A>G]TGACACGAATCACTGCAGGCAGGGGGCAGGGCGGGTCAGGGCCCGGCAGGAACCAGGGGT-3'
Protein context (NP_001167560.1, residues 422-442): LALYIQVIRV[Ile432Thr]CDDYDLDFNS